The following is an entry in ClinVar:

NM_014679.5(CEP57):c.1312A>C (p.Lys438Gln)

Gene: CEP57 (centrosomal protein 57; plus strand). Cytogenetic location: 11q21.
Variant type: single nucleotide variant.
Coding change: c.1312A>C on transcript NM_014679.5 (MANE Select); coding-DNA position 1312, A replaced by C.
Protein change: p.Lys438Gln; replaces lysine 438 with glutamine.
Molecular consequence: missense variant.
Genome position (GRCh38, 1-based): chr11:95,831,065, A>C. VCF-style: chr11-95831065-A-C. GRCh37 (hg19) VCF-style: chr11-95564229-A-C.
Other names: c.1285A>C, p.Lys429Gln (NM_001243776.2); c.1234A>C, p.Lys412Gln (NM_001243777.2); c.1231A>C, p.Lys411Gln (NM_001363604.2, NM_001440869.1, NM_001440870.1); c.1204A>C, p.Lys402Gln (NM_001440871.1); c.1009A>C, p.Lys337Gln (NM_001440882.1); c.1195A>C, p.Lys399Gln (NM_001440872.1); c.1132A>C, p.Lys378Gln (NM_001440873.1); c.1126A>C, p.Lys376Gln (NM_001440874.1); and 6 more; short protein forms K339Q, K399Q, K411Q, K351Q, K372Q, K373Q, K375Q, K337Q.
Identifiers: ClinVar variation 4613488 (VCV004613488.1).

ClinVar aggregate classification (germline): Uncertain significance (1 of 4 stars; one submission).

Conditions:
Inborn genetic diseases. Identifiers: MedGen C0950123, MeSH D030342.

Submission:

Ambry Genetics
Classification: Uncertain significance for Inborn genetic diseases. Last evaluated: 2025-10-03. Review status: criteria provided, single submitter. Criteria: Ambry Variant Classification Scheme 2023. Collection method: clinical testing. Allele origin: germline.
Comment: The p.K438Q variant (also known as c.1312A>C), located in coding exon 11 of the CEP57 gene, results from an A to C substitution at nucleotide position 1312. The lysine at codon 438 is replaced by glutamine, an amino acid with similar properties. This amino acid position is conserved. In addition, this alteration is predicted to be tolerated by in silico analysis. Based on the available evidence, the clinical significance of this variant remains unclear.